The following is an entry in ClinVar:

ClinVar aggregate classification (germline): Uncertain significance (1 of 4 stars; one submission).

Conditions:
Hypertrophic cardiomyopathy 1 (CMH1). Also called: Familial hypertrophic cardiomyopathy 1; MYH7-Related Familial Hypertrophic Cardiomyopathy. Identifiers: MedGen C3495498, MONDO:0008647, OMIM 192600.

Allele frequency attached by ClinVar (database versions not stated): gnomAD exomes below 0.00001; TOPMed below 0.00001.
gnomAD v4.1: 1 of 1,499,216 alleles (0.000067%); highest among the groups gnomAD compares: Non-Finnish European, 0.00009%; no homozygotes.

Submission:

Labcorp Genetics (formerly Invitae), Labcorp
Classification: Uncertain significance for Hypertrophic cardiomyopathy 1. Last evaluated: 2023-05-23. Review status: criteria provided, single submitter. Criteria: Invitae Variant Classification Sherloc (09022015). Collection method: clinical testing. Allele origin: germline.
Comment: In summary, the available evidence is currently insufficient to determine the role of this variant in disease. Therefore, it has been classified as a Variant of Uncertain Significance. Advanced modeling of protein sequence and biophysical properties (such as structural, functional, and spatial information, amino acid conservation, physicochemical variation, residue mobility, and thermodynamic stability) performed at Invitae indicates that this missense variant is not expected to disrupt MYLK2 protein function. This variant has not been reported in the literature in individuals affected with MYLK2-related conditions. This variant is not present in population databases (gnomAD no frequency). This sequence change replaces histidine, which is basic and polar, with tyrosine, which is neutral and polar, at codon 420 of the MYLK2 protein (p.His420Tyr).

NM_033118.4(MYLK2):c.1258C>T (p.His420Tyr)

Gene: MYLK2 (myosin light chain kinase 2; plus strand). Cytogenetic location: 20q11.21.
Variant type: single nucleotide variant.
Coding change: c.1258C>T on transcript NM_033118.4 (MANE Select); coding-DNA position 1258, C replaced by T.
Protein change: p.His420Tyr; replaces histidine 420 with tyrosine.
Molecular consequence: missense variant.
Genome position (GRCh38, 1-based): chr20:31,830,852, C>T. VCF-style: chr20-31830852-C-T. GRCh37 (hg19) VCF-style: chr20-30418655-C-T.
Other names: short protein forms H420Y.
Identifiers: ClinVar variation 2798472 (VCV002798472.3), dbSNP rs1197816369, ClinGen allele CA408527471.